The following is an entry in ClinVar:

ClinVar aggregate classification (germline): Likely benign (1 of 4 stars; one submission).

Submission:

CeGaT Center for Human Genetics Tuebingen
Classification: Likely benign. Last evaluated: 2023-03-01. Review status: criteria provided, single submitter. Criteria: CeGaT Center For Human Genetics Tuebingen Variant Classification Criteria Version 2. Collection method: clinical testing. Allele origin: germline. Affected: yes. Observed: 2 variant alleles.
Comment: SLC38A5: BS2

NM_033518.4(SLC38A5):c.*216GGA[5]

Gene: SLC38A5 (solute carrier family 38 member 5; minus strand). Cytogenetic location: Xp11.23.
Variant type: Microsatellite.
Coding change: c.*216GGA[5] on transcript NM_033518.4 (MANE Select); five copies in a row of the 3-base unit GGA starting at c.*216; the reference has six copies in a row; one copy, 3 bases deleted.
Molecular consequence: 3 prime UTR variant.
Genome position (GRCh38, 1-based): chrX:48,458,700-48,458,702, TCC deleted on the plus strand (GGA on the coding strand, the reverse complement: SLC38A5 is on the minus strand); deleting any 3 consecutive bases within chrX:48,458,700-48,458,717 gives the same sequence; the position shown is the placement nearest the transcript's 3' end. VCF-style (leftmost placement, unchanged base first): chrX-48458699-TTCC-T. GRCh37 (hg19) VCF-style: chrX-48317085-TTCC-T.
Identifiers: ClinVar variation 2660450 (VCV002660450.24), dbSNP rs369185477, ClinGen allele CA641496941.